The following is an entry in ClinVar:

NM_001429.4(EP300):c.4360G>C (p.Asp1454His)

Gene: EP300 (EP300 lysine acetyltransferase; plus strand). Cytogenetic location: 22q13.2.
Variant type: single nucleotide variant.
Coding change: c.4360G>C on transcript NM_001429.4 (MANE Select); coding-DNA position 4360, G replaced by C.
Protein change: p.Asp1454His; replaces aspartic acid 1454 with histidine.
Molecular consequence: missense variant.
Genome position (GRCh38, 1-based): chr22:41,170,479, G>C. VCF-style: chr22-41170479-G-C. GRCh37 (hg19) VCF-style: chr22-41566483-G-C.
Other names: c.4282G>C, p.Asp1428His (NM_001362843.2); short protein forms D1428H, D1454H.
Identifiers: ClinVar variation 2733298 (VCV002733298.3), dbSNP rs2059163106, ClinGen allele CA411702191.
Genomic context (GRCh38, chr22:41,170,479, plus strand): 5'-CATATTTGGGCATGTCCACCAAGTGAGGGAGATGATTATATCTTCCATTGCCATCCTCCT[G>C]ACCAGAAGATACCCAAGCCCAAGCGACTGCAGGAATGGTACAAAAAAATGCTTGACAAGG-3'
Protein context (NP_001420.2, residues 1444-1464): DDYIFHCHPP[Asp1454His]QKIPKPKRLQ

ClinVar aggregate classification (germline): Uncertain significance (1 of 4 stars; one submission).

Conditions:
Rubinstein-Taybi syndrome due to EP300 haploinsufficiency. Also called: RUBINSTEIN-TAYBI SYNDROME 2; EP300-Related Rubinstein-Taybi Syndrome. Identifiers: Orphanet 353284, Orphanet 783, MedGen C3150941, MONDO:0013364, OMIM 613684.

Allele frequency attached by ClinVar (database versions not stated): gnomAD 0.00001.

Submission:

Labcorp Genetics (formerly Invitae), Labcorp
Classification: Uncertain significance for Rubinstein-Taybi syndrome due to EP300 haploinsufficiency. Last evaluated: 2024-07-22. Review status: criteria provided, single submitter. Criteria: Invitae Variant Classification Sherloc (09022015). Collection method: clinical testing. Allele origin: germline.
Comment: This sequence change replaces aspartic acid, which is acidic and polar, with histidine, which is basic and polar, at codon 1454 of the EP300 protein (p.Asp1454His). This variant is not present in population databases (gnomAD no frequency). This variant has not been reported in the literature in individuals affected with EP300-related conditions. Advanced modeling of protein sequence and biophysical properties (such as structural, functional, and spatial information, amino acid conservation, physicochemical variation, residue mobility, and thermodynamic stability) has been performed at Invitae for this missense variant, however the output from this modeling did not meet the statistical confidence thresholds required to predict the impact of this variant on EP300 protein function. In summary, the available evidence is currently insufficient to determine the role of this variant in disease. Therefore, it has been classified as a Variant of Uncertain Significance.